The following is an entry in ClinVar:

ClinVar aggregate classification (germline): Uncertain significance. Review status: criteria provided, multiple submitters, no conflicts (2 of 4 stars). 7 submissions from 7 submitters: Uncertain significance (6). 1 of the submissions does not count toward it. Last evaluated 2025-11-13.

Conditions:
CDH23-related disorder. Also called: CDH23-related condition; CDH23-related disorders.
Inborn genetic diseases. Identifiers: MedGen C0950123, MeSH D030342.
Usher syndrome type 1 (USH1). Also called: RETINITIS PIGMENTOSA AND CONGENITAL DEAFNESS. Identifiers: Orphanet 231169, Orphanet 886, MedGen C1568247, MONDO:0010168, OMIM 276900.

Allele frequency attached by ClinVar (database versions not stated): ESP Exome Variant Server 0.00008; gnomAD 0.00009; gnomAD exomes 0.00010; TOPMed 0.00011; ExAC 0.00015; 1000 Genomes Project 0.00060; 1000 Genomes Project 30x 0.00094.
gnomAD v4.1: 76 of 1,613,404 alleles (0.0047%); highest among the groups gnomAD compares: South Asian, 0.049%; 1 homozygote.

Submissions (7):

Ambry Genetics
Classification: Uncertain significance for Inborn genetic diseases. Last evaluated: 2025-11-13. Review status: criteria provided, single submitter. Criteria: Ambry Variant Classification Scheme 2023. Collection method: clinical testing. Allele origin: germline.

PreventionGenetics, part of Exact Sciences
Classification: Uncertain significance for CDH23-related condition. Last evaluated: 2025-06-25. Review status: criteria provided, single submitter. Criteria: ACMG Guidelines, 2015. Collection method: clinical testing. Allele origin: germline.
Comment: The CDH23 c.9413G>A variant is predicted to result in the amino acid substitution p.Arg3138Gln. To our knowledge, this variant has not been reported in the literature. This variant is reported in 0.049% of alleles in individuals of South Asian descent in gnomAD. At this time, the clinical significance of this variant is uncertain due to the absence of conclusive functional and genetic evidence.

Labcorp Genetics (formerly Invitae), Labcorp
Classification: Uncertain significance. Last evaluated: 2024-10-25. Review status: criteria provided, single submitter. Criteria: Invitae Variant Classification Sherloc (09022015). Collection method: clinical testing. Allele origin: germline.
Comment: This sequence change replaces arginine, which is basic and polar, with glutamine, which is neutral and polar, at codon 3138 of the CDH23 protein (p.Arg3138Gln). This variant is present in population databases (rs372676235, gnomAD 0.05%). This variant has not been reported in the literature in individuals affected with CDH23-related conditions. ClinVar contains an entry for this variant (Variation ID: 228508). Invitae Evidence Modeling of protein sequence and biophysical properties (such as structural, functional, and spatial information, amino acid conservation, physicochemical variation, residue mobility, and thermodynamic stability) has been performed for this missense variant. However, the output from this modeling did not meet the statistical confidence thresholds required to predict the impact of this variant on CDH23 protein function. In summary, the available evidence is currently insufficient to determine the role of this variant in disease. Therefore, it has been classified as a Variant of Uncertain Significance.

Blueprint Genetics
Classification: Uncertain significance. Last evaluated: 2024-08-19. Review status: criteria provided, single submitter. Criteria: ACMG Guidelines, 2015. Collection method: clinical testing. Allele origin: germline.

GeneDx
Classification: Uncertain significance. Last evaluated: 2022-03-28. Review status: criteria provided, single submitter. Criteria: GeneDx Variant Classification Process June 2021. Collection method: clinical testing. Allele origin: germline. Affected: yes.
Comment: In silico analysis supports that this missense variant does not alter protein structure/function; Has not been previously published as pathogenic or benign to our knowledge

Laboratory for Molecular Medicine, Mass General Brigham Personalized Medicine
Classification: Uncertain significance. Last evaluated: 2015-08-11. Review status: criteria provided, single submitter. Criteria: LMM Criteria. Collection method: clinical testing. Allele origin: germline. Observed: 1 variant allele.
Comment: The p.Arg3183Gln variant in CDH23 has not been previously reported in individual s with hearing loss or Usher syndrome, but has been identified in 12/16510 South Asian chromosomes by the Exome Aggregation Consortium (ExAC; dbSNP rs372676235). Although this variant has been seen in the gen eral population, its frequency is not high enough to rule out a pathogenic role. Computational prediction tools and conservation analysis suggest that this vari ant may impact the protein. Additional computational tools also suggested an im pact to splicing. However, this information is not predictive enough to determi ne pathogenicity or a splicing impact. In summary, the clinical significance of the p.Arg3183Gln variant is uncertain.

Natera, Inc.
Classification: Uncertain significance for Usher syndrome type 1. Last evaluated: 2019-10-28. Review status: no assertion criteria provided. Collection method: clinical testing. Allele origin: germline. Not counted in ClinVar's aggregate classification.

NM_022124.6(CDH23):c.9413G>A (p.Arg3138Gln)

Gene: CDH23 (cadherin related 23; plus strand). Cytogenetic location: 10q22.1.
Variant type: single nucleotide variant.
Coding change: c.9413G>A on transcript NM_022124.6 (MANE Select); coding-DNA position 9413, G replaced by A.
Protein change: p.Arg3138Gln; replaces arginine 3138 with glutamine.
Molecular consequence: missense variant.
Genome position (GRCh38, 1-based): chr10:71,812,512, G>A. VCF-style: chr10-71812512-G-A. GRCh37 (hg19) VCF-style: chr10-73572269-G-A.
Other names: c.2693G>A, p.Arg898Gln (NM_001171933.1, NM_001171934.1); c.104G>A, p.Arg35Gln (NM_001171935.1, NM_001171936.1); short protein forms R3138Q, R35Q, R898Q.
Identifiers: ClinVar variation 228508 (VCV000228508.13), dbSNP rs372676235, ClinGen allele CA5547072.
Genomic context (GRCh38, chr10:71,812,512, plus strand): 5'-CCCCACCCTTTTCCCTCCCCAACTGCAGAGCCAACCCTGTGTGGCTGGATCCCTTCTGTC[G>A]GAACCTGGAGCTGGCCGCCCAGGCGGAGCATGAGGATGACCTACCGGAGAACCTGAGTGA-3'
Protein context (NP_071407.4, residues 3128-3148): ANPVWLDPFC[Arg3138Gln]NLELAAQAEH